The following is an entry in ClinVar:

NM_021072.4(HCN1):c.239dup (p.Phe81fs)

Gene: HCN1 (hyperpolarization activated cyclic nucleotide gated potassium channel 1; minus strand). Cytogenetic location: 5p12.
Variant type: Duplication.
Coding change: c.239dup on transcript NM_021072.4 (MANE Select); coding-DNA position 239, one base duplicated (G; older notation c.239dupG).
Protein change: p.Phe81fs; shifts the reading frame from phenylalanine 81.
Molecular consequence: frameshift variant.
Genome position (GRCh38, 1-based): chr5:45,695,855, C duplicated on the plus strand (G on the coding strand, the reverse complement: HCN1 is on the minus strand); the first of 6 consecutive C bases (chr5:45,695,855-45,695,860); duplicating any one gives the same sequence. VCF-style (leftmost placement, unchanged base first): chr5-45695854-G-GC. GRCh37 (hg19) VCF-style: chr5-45695956-G-GC.
Other names: c.239dup (NM_021072.3); short protein forms F81fs.
Identifiers: ClinVar variation 3766775 (VCV003766775.2).

ClinVar aggregate classification (germline): Uncertain significance. Review status: criteria provided, multiple submitters, no conflicts (2 of 4 stars). 2 submissions from 2 submitters: Uncertain significance (2). Last evaluated 2025-06-10.

Submissions (2):

GeneDx
Classification: Uncertain significance. Last evaluated: 2025-06-10. Review status: criteria provided, single submitter. Criteria: GeneDx Variant Classification Process June 2021. Collection method: clinical testing. Allele origin: germline. Affected: yes.
Comment: Not observed at significant frequency in large population cohorts (gnomAD); Frameshift variant predicted to result in protein truncation or nonsense mediated decay in a gene or region of a gene for which loss of function is not a well-established mechanism of disease; Has not been previously published as pathogenic or benign to our knowledge

ARUP Laboratories, Molecular Genetics and Genomics, ARUP Laboratories
Classification: Uncertain significance. Last evaluated: 2023-12-21. Review status: criteria provided, single submitter. Criteria: ARUP Molecular Germline Variant Investigation Process 2024. Collection method: clinical testing. Allele origin: germline.